The following is an entry in ClinVar:

ClinVar aggregate classification (germline): Uncertain significance (1 of 4 stars; one submission).

gnomAD v4.1: 1 of 1,613,644 alleles (0.000062%); highest among the groups gnomAD compares: Admixed American, 0.0017%; no homozygotes.

Submission:

Dasa
Classification: Uncertain significance. Last evaluated: 2025-09-22. Review status: criteria provided, single submitter. Criteria: DASA Assertion Criteria. Collection method: clinical testing. Allele origin: germline.
Comment: NM_173872.4(CLCN3):c.2548G>A (p.Glu850Lys) is a missense variant that results in the substitution of glutamic acid with lysine. This variant is rare in population databases. The currently available literature and clinical evidence are not sufficient to establish a definitive association between this variant and the reported condition. Therefore, this variant is classified as a variant of uncertain significance.

NM_001829.4(CLCN3):c.*15G>A

Gene: CLCN3 (Cl-/H+ antiporter 3; plus strand). Cytogenetic location: 4q33.
Variant type: single nucleotide variant.
Coding change: c.*15G>A on transcript NM_001829.4 (MANE Select); 15 bases downstream of the stop codon, G replaced by A.
Molecular consequence: 3 prime UTR variant. On other transcripts: missense variant (1).
Genome position (GRCh38, 1-based): chr4:169,720,012, G>A. VCF-style: chr4-169720012-G-A. GRCh37 (hg19) VCF-style: chr4-170641163-G-A.
Other names: c.*15G>A (NM_001243372.2, NM_001243374.2); c.2548G>A, p.Glu850Lys (NM_173872.4); short protein forms E850K.
Identifiers: ClinVar variation 4886677 (VCV004886677.2).
Genomic context (GRCh38, chr4:169,720,012, plus strand): 5'-GGCCCAGACGGCAAACCAAGACCCCGCTTCAATAATGTTCAACTGAATCTCACAGATGAG[G>A]AGAGAGAAGAAACGGAAGAGGAAGTTTATTTGTTGAATAGCACAACTCTTTAACCTGAGG-3'